The following is an entry in ClinVar:

NM_001283009.2(RTEL1):c.2782T>G (p.Phe928Val)

Genes: RTEL1 (regulator of telomere elongation helicase 1; plus strand), RTEL1-TNFRSF6B (RTEL1-TNFRSF6B readthrough (NMD candidate); plus strand). Cytogenetic location: 20q13.33.
Variant type: single nucleotide variant.
Coding change: c.2782T>G on transcript NM_001283009.2 (MANE Select); coding-DNA position 2782, T replaced by G.
Protein change: p.Phe928Val; replaces phenylalanine 928 with valine.
Molecular consequence: missense variant. On other transcripts: non-coding transcript variant (1).
Genome position (GRCh38, 1-based): chr20:63,692,934, T>G. VCF-style: chr20-63692934-T-G. GRCh37 (hg19) VCF-style: chr20-62324287-T-G.
Other names: c.2113T>G, p.Phe705Val (NM_001283010.1); c.2782T>G, p.Phe928Val (NM_016434.4); c.2854T>G, p.Phe952Val (NM_032957.5); short protein forms F952V, F928V, F705V.
Identifiers: ClinVar variation 579776 (VCV000579776.12), dbSNP rs953069213, ClinGen allele CA317520752.

ClinVar aggregate classification (germline): Uncertain significance. Review status: criteria provided, multiple submitters, no conflicts (2 of 4 stars). 2 submissions from 2 submitters: Uncertain significance (2). Last evaluated 2025-11-03.

Conditions:
Pulmonary fibrosis and/or bone marrow failure, Telomere-related, 3. Also called: PULMONARY FIBROSIS AND/OR BONE MARROW FAILURE SYNDROME, TELOMERE-RELATED, 3. Identifiers: Orphanet 2032, MedGen C4225346, MONDO:0014613, OMIM 616373.
Dyskeratosis congenita, autosomal recessive 5 (DKCB5). Identifiers: MedGen C3554656, MONDO:0014076, OMIM 615190.
Inborn genetic diseases. Identifiers: MedGen C0950123, MeSH D030342.

Allele frequency attached by ClinVar (database versions not stated): gnomAD 0.00002 and 0.00003; gnomAD exomes below 0.00001; TOPMed 0.00002.
gnomAD v4.1: 4 of 1,612,520 alleles (0.00025%); highest among the groups gnomAD compares: African/African-American, 0.004%; no homozygotes.

Submissions (2):

Labcorp Genetics (formerly Invitae), Labcorp
Classification: Uncertain significance for Dyskeratosis congenita, autosomal recessive 5; Pulmonary fibrosis and/or bone marrow failure, Telomere-related, 3. Last evaluated: 2025-11-03. Review status: criteria provided, single submitter. Criteria: Invitae Variant Classification Sherloc (09022015). Collection method: clinical testing. Allele origin: germline.
Comment: This sequence change replaces phenylalanine, which is neutral and non-polar, with valine, which is neutral and non-polar, at codon 928 of the RTEL1 protein (p.Phe928Val). This variant is present in population databases (no rsID available, gnomAD 0.007%). This variant has not been reported in the literature in individuals affected with RTEL1-related conditions. ClinVar contains an entry for this variant (Variation ID: 579776). An algorithm developed to predict the effect of missense changes on protein structure and function outputs the following: PolyPhen-2: "Benign". The valine amino acid residue is found in multiple mammalian species, which suggests that this missense change does not adversely affect protein function. In summary, the available evidence is currently insufficient to determine the role of this variant in disease. Therefore, it has been classified as a Variant of Uncertain Significance.

Ambry Genetics
Classification: Uncertain significance for Inborn genetic diseases. Last evaluated: 2025-05-28. Review status: criteria provided, single submitter. Criteria: Ambry Variant Classification Scheme 2023. Collection method: clinical testing. Allele origin: germline.
Comment: The p.F928V variant (also known as c.2782T>G), located in coding exon 28 of the RTEL1 gene, results from a T to G substitution at nucleotide position 2782. The phenylalanine at codon 928 is replaced by valine, an amino acid with highly similar properties. This amino acid position is conserved. In addition, this alteration is predicted to be tolerated by in silico analysis. Based on the available evidence, the clinical significance of this variant remains unclear.